The following is an entry in ClinVar:

NM_182760.4(SUMF1):c.*552T>G

Gene: SUMF1 (sulfatase modifying factor 1; minus strand). Cytogenetic location: 3p26.1.
Variant type: single nucleotide variant.
Coding change: c.*552T>G on transcript NM_182760.4 (MANE Select); 552 bases downstream of the stop codon, T replaced by G.
Molecular consequence: 3 prime UTR variant.
Genome position (GRCh38, 1-based): chr3:4,361,592, A>C on the plus strand (T>G on the coding strand, the complement: SUMF1 is on the minus strand). VCF-style: chr3-4361592-A-C. GRCh37 (hg19) VCF-style: chr3-4403276-A-C.
Other names: c.*552T>G (NM_001164674.2, NM_001164675.2).
Identifiers: ClinVar variation 345299 (VCV000345299.5), dbSNP rs10514655, ClinGen allele CA10618479.

ClinVar aggregate classification (germline): Benign (1 of 4 stars; one submission).

Conditions:
Multiple sulfatase deficiency (MSD). Also called: Mucosulfatidosis; Multiple Sulfatase Deficiency Disease; Sulfatidosis, Juvenile, Austin Type. Identifiers: Orphanet 585, MedGen C0268263, MONDO:0010088, OMIM 272200.

Allele frequency attached by ClinVar (database versions not stated): gnomAD exomes 0.00131; gnomAD 0.02952 and 0.03190; 1000 Genomes Project 0.03275; TOPMed 0.03279; 1000 Genomes Project 30x 0.03716.
gnomAD v4.1: 4,467 of 160,266 alleles (2.8%); highest among the groups gnomAD compares: African/African-American, 10%; 199 homozygotes.

Submission:

Illumina Laboratory Services, Illumina
Classification: Benign for Multiple sulfatase deficiency. Last evaluated: 2018-01-12. Review status: criteria provided, single submitter. Criteria: ICSL Variant Classification Criteria 13 December 2019. Collection method: clinical testing. Allele origin: germline.
Comment: This variant was observed in the ICSL laboratory as part of a predisposition screen in an ostensibly healthy population. It had not been previously curated by ICSL or reported in the Human Gene Mutation Database (HGMD: prior to June 1st, 2018), and was therefore a candidate for classification through an automated scoring system. Utilizing variant allele frequency, disease prevalence and penetrance estimates, and inheritance mode, an automated score was calculated to assess if this variant is too frequent to cause the disease. Based on the score and internal cut-off values, a variant classified as benign is not then subjected to further curation. The score for this variant resulted in a classification of benign for this disease.